The following is an entry in ClinVar:

NM_016816.4(OAS1):c.193G>T (p.Gly65Cys)

Gene: OAS1 (2'-5'-oligoadenylate synthetase 1; plus strand). Cytogenetic location: 12q24.13.
Variant type: single nucleotide variant.
Coding change: c.193G>T on transcript NM_016816.4 (MANE Select); coding-DNA position 193, G replaced by T.
Protein change: p.Gly65Cys; replaces glycine 65 with cysteine.
Molecular consequence: missense variant. On other transcripts: non-coding transcript variant (9), intron variant (4).
Genome position (GRCh38, 1-based): chr12:112,908,548, G>T. VCF-style: chr12-112908548-G-T. GRCh37 (hg19) VCF-style: chr12-113346353-G-T.
Other names: c.193G>T, p.Gly65Cys (NM_001032409.3, NM_001320151.2, NM_001406020.1 and 6 more transcripts); c.180+1329G>T (NM_001406030.1, NM_001406029.1, NM_001406027.1 and 1 more transcripts); short protein forms G65C.
Identifiers: ClinVar variation 3661705 (VCV003661705.2).

ClinVar aggregate classification (germline): Uncertain significance (1 of 4 stars; one submission).

Submission:

Labcorp Genetics (formerly Invitae), Labcorp
Classification: Uncertain significance. Last evaluated: 2024-08-08. Review status: criteria provided, single submitter. Criteria: Invitae Variant Classification Sherloc (09022015). Collection method: clinical testing. Allele origin: germline.
Comment: This sequence change replaces glycine, which is neutral and non-polar, with cysteine, which is neutral and slightly polar, at codon 65 of the OAS1 protein (p.Gly65Cys). This variant is not present in population databases (gnomAD no frequency). This variant has not been reported in the literature in individuals affected with OAS1-related conditions. An algorithm developed to predict the effect of missense changes on protein structure and function (PolyPhen-2) suggests that this variant is likely to be disruptive. In summary, the available evidence is currently insufficient to determine the role of this variant in disease. Therefore, it has been classified as a Variant of Uncertain Significance.